The following is an entry in ClinVar:

ClinVar aggregate classification (germline): Likely benign. Review status: criteria provided, multiple submitters, no conflicts (2 of 4 stars). 2 submissions from 2 submitters: Likely benign (2). Last evaluated 2023-03-13.

Conditions:
FG syndrome (FGS). Identifiers: MedGen C0220769, MONDO:0002010.

Submissions (2):

Labcorp Genetics (formerly Invitae), Labcorp
Classification: Likely benign for FG syndrome. Last evaluated: 2023-03-13. Review status: criteria provided, single submitter. Criteria: Invitae Variant Classification Sherloc (09022015). Collection method: clinical testing. Allele origin: germline.

GeneDx
Classification: Likely benign. Last evaluated: 2017-11-07. Review status: criteria provided, single submitter. Criteria: GeneDx Variant Classification (06012015). Collection method: clinical testing. Allele origin: germline. Affected: yes.
Comment: This variant is considered likely benign or benign based on one or more of the following criteria: it is a conservative change, it occurs at a poorly conserved position in the protein, it is predicted to be benign by multiple in silico algorithms, and/or has population frequency not consistent with disease.

NM_005120.3(MED12):c.6186GCA[6] (p.Gln2076dup)

Gene: MED12 (mediator complex subunit 12; plus strand). Cytogenetic location: Xq13.1.
Variant type: Microsatellite.
Coding change: c.6186GCA[6] on transcript NM_005120.3 (MANE Select); six copies in a row of the 3-base unit GCA starting at c.6186; the reference has five copies in a row; one copy, 3 bases duplicated.
Protein change: p.Gln2076dup; duplicates glutamine 2076.
Molecular consequence: inframe insertion.
Genome position (GRCh38, 1-based): chrX:71,140,788-71,140,790, GCA duplicated; duplicating any 3 consecutive bases within chrX:71,140,774-71,140,790 gives the same sequence; the position shown is the placement nearest the transcript's 3' end. VCF-style (leftmost placement, unchanged base first): chrX-71140773-A-ACAG. GRCh37 (hg19) VCF-style: chrX-70360623-A-ACAG.
Identifiers: ClinVar variation 513397 (VCV000513397.10), dbSNP rs754533796, ClinGen allele CA10444892.
Genomic context (GRCh38, chrX:71,140,773, plus strand): 5'-CGTCCGTTCAACAGCCATCCTACCTGAGCAGCAGCAGCAGCAGCAACAGCAGCAACAGCA[A>ACAG]CAGCAGCAGCAGCAGCAACAGCAACAGCAGCAGCAGCAGCAGCAGTACCACATCCGGCAG-3'